The following is an entry in ClinVar:

ClinVar aggregate classification (germline): Uncertain significance (1 of 4 stars; one submission).

Conditions:
Cardiovascular phenotype. Identifiers: MedGen CN230736.

Submission:

Ambry Genetics
Classification: Uncertain significance for Cardiovascular phenotype. Last evaluated: 2022-07-29. Review status: criteria provided, single submitter. Criteria: Ambry Variant Classification Scheme 2023. Collection method: clinical testing. Allele origin: germline.
Comment: The p.D166E variant (also known as c.498C>G), located in coding exon 5 of the PRDM5 gene, results from a C to G substitution at nucleotide position 498. The aspartic acid at codon 166 is replaced by glutamic acid, an amino acid with highly similar properties. This amino acid position is conserved. In addition, this alteration is predicted to be tolerated by in silico analysis. Since supporting evidence is limited at this time, the clinical significance of this alteration remains unclear.

NM_018699.4(PRDM5):c.498C>G (p.Asp166Glu)

Gene: PRDM5 (PR/SET domain 5; minus strand). Cytogenetic location: 4q27.
Variant type: single nucleotide variant.
Coding change: c.498C>G on transcript NM_018699.4 (MANE Select); coding-DNA position 498, C replaced by G.
Protein change: p.Asp166Glu; replaces aspartic acid 166 with glutamic acid.
Molecular consequence: missense variant.
Genome position (GRCh38, 1-based): chr4:120,818,505, G>C on the plus strand (C>G on the coding strand, the complement: PRDM5 is on the minus strand). VCF-style: chr4-120818505-G-C. GRCh37 (hg19) VCF-style: chr4-121739660-G-C.
Other names: c.498C>G, p.Asp166Glu (NM_001300823.2, NM_001300824.2, NM_001379104.1 and 1 more transcripts); short protein forms D166E.
Identifiers: ClinVar variation 1744566 (VCV001744566.2), dbSNP rs2477997916, ClinGen allele CA358208224.